The following is an entry in ClinVar:

ClinVar aggregate classification (germline): Uncertain significance. Review status: criteria provided, multiple submitters, no conflicts (2 of 4 stars). 2 submissions from 2 submitters: Uncertain significance (2). Last evaluated 2024-12-07.

Conditions:
Developmental and epileptic encephalopathy, 14 (DEE14). Also called: Early infantile epileptic encephalopathy 14. Identifiers: Orphanet 293181, MedGen C3554195, MONDO:0013989, OMIM 614959.
Autosomal dominant nocturnal frontal lobe epilepsy 5. Also called: CILIARY DYSKINESIA, PRIMARY, 28, WITH SITUS INVERSUS; KCNT1-Related Epilepsy; CILIARY DYSKINESIA, PRIMARY, 28, WITHOUT SITUS INVERSUS; Epilepsy, nocturnal frontal lobe, 5. Identifiers: Orphanet 98784, MedGen C3554306, MONDO:0014002, OMIM 615005.

Submissions (2):

Labcorp Genetics (formerly Invitae), Labcorp
Classification: Uncertain significance for Autosomal dominant nocturnal frontal lobe epilepsy 5; Developmental and epileptic encephalopathy, 14. Last evaluated: 2024-12-07. Review status: criteria provided, single submitter. Criteria: Invitae Variant Classification Sherloc (09022015). Collection method: clinical testing. Allele origin: germline.
Comment: This sequence change replaces glycine, which is neutral and non-polar, with serine, which is neutral and polar, at codon 434 of the KCNT1 protein (p.Gly434Ser). This variant is not present in population databases (gnomAD no frequency). This variant has not been reported in the literature in individuals affected with KCNT1-related conditions. ClinVar contains an entry for this variant (Variation ID: 2571678). Invitae Evidence Modeling of protein sequence and biophysical properties (such as structural, functional, and spatial information, amino acid conservation, physicochemical variation, residue mobility, and thermodynamic stability) indicates that this missense variant is expected to disrupt KCNT1 protein function with a positive predictive value of 80%. In summary, the available evidence is currently insufficient to determine the role of this variant in disease. Therefore, it has been classified as a Variant of Uncertain Significance.

GeneDx
Classification: Uncertain significance. Last evaluated: 2023-01-03. Review status: criteria provided, single submitter. Criteria: GeneDx Variant Classification Process June 2021. Collection method: clinical testing. Allele origin: germline. Affected: yes.
Comment: Not observed at significant frequency in large population cohorts (gnomAD); In silico analysis supports that this missense variant has a deleterious effect on protein structure/function; Has not been previously published as pathogenic or benign to our knowledge

NM_020822.3(KCNT1):c.1300G>A (p.Gly434Ser)

Gene: KCNT1 (potassium sodium-activated channel subfamily T member 1; plus strand). Cytogenetic location: 9q34.3.
Variant type: single nucleotide variant.
Coding change: c.1300G>A on transcript NM_020822.3 (MANE Select); coding-DNA position 1300, G replaced by A.
Protein change: p.Gly434Ser; replaces glycine 434 with serine.
Molecular consequence: missense variant.
Genome position (GRCh38, 1-based): chr9:135,765,723, G>A. VCF-style: chr9-135765723-G-A. GRCh37 (hg19) VCF-style: chr9-138657569-G-A.
Other names: c.1165G>A, p.Gly389Ser (NM_001272003.2); short protein forms G389S, G434S.
Identifiers: ClinVar variation 2571678 (VCV002571678.4), dbSNP rs2490909095, ClinGen allele CA375501652.